The following is an entry in ClinVar:

ClinVar aggregate classification (germline): Conflicting classifications of pathogenicity. Review status: criteria provided, conflicting classifications (1 of 4 stars). 4 submissions from 4 submitters: Uncertain significance (2); Likely benign (2). Last evaluated 2024-12-06.

Conditions:
Tuberous sclerosis syndrome (TSC). Also called: Tuberous sclerosis; Tuberous Sclerosis Complex. Identifiers: Orphanet 805, MedGen C0041341, MONDO:0001734.
Tuberous sclerosis 2 (TSC2). Identifiers: Orphanet 805, MedGen C1860707, MONDO:0013199, OMIM 613254.
Hereditary cancer-predisposing syndrome. Also called: Tumor predisposition; Hereditary Cancer Syndrome; Neoplastic Syndromes, Hereditary; Hereditary neoplastic syndrome. Identifiers: Orphanet 140162, MedGen C0027672, MeSH D009386, MONDO:0015356.

Allele frequency attached by ClinVar (database versions not stated): gnomAD exomes below 0.00001; TOPMed below 0.00001.
gnomAD v4.1: 2 of 1,614,096 alleles (0.00012%); highest among the groups gnomAD compares: Non-Finnish European, 0.00017%; no homozygotes.

Submissions (4):

Ambry Genetics
Classification: Uncertain significance for Hereditary cancer-predisposing syndrome. Last evaluated: 2024-12-06. Review status: criteria provided, single submitter. Criteria: Ambry Variant Classification Scheme 2023. Collection method: clinical testing. Allele origin: germline.
Comment: The c.1005C>T variant (also known as p.S335S), located in coding exon 10 of the TSC2 gene, results from a C to T substitution at nucleotide position 1005. This nucleotide substitution does not change the amino acid at codon 335. This nucleotide position is not well conserved in available vertebrate species. In silico splice site analysis predicts that this alteration may result in the creation or strengthening of a novel splice acceptor site. RNA studies have demonstrated that this alteration results in an incomplete splice defect; the clinical impact of this abnormal splicing is unknown at this time (Ambry internal data). Based on the available evidence, the clinical significance of this variant remains unclear.

All of Us Research Program, National Institutes of Health
Classification: Uncertain significance for Tuberous sclerosis syndrome. Last evaluated: 2024-06-09. Review status: criteria provided, single submitter. Criteria: ACMG Guidelines, 2015. Collection method: clinical testing. Allele origin: germline. Inheritance: Autosomal dominant inheritance. Observed: 1 variant allele, 1 heterozygote.
Comment: This variant is a synonymous variant located in exon 11 of the TSC2 gene. Splice site prediction tools suggest that this variant may have a significant impact on RNA splicing, however to our knowledge, RNA studies have not been reported for this variant. This variant has not been reported in individuals affected with TSC2-related disorders in the literature. This variant has not been identified in the general population by the Genome Aggregation Database (gnomAD). The available evidence is insufficient to determine the role of this variant in disease conclusively. Therefore, this variant is classified as a Variant of Uncertain Significance.

This study involves interpretation of variants in research participants for the purpose of population health screening. Participant phenotype was not available at the time of variant classification. Additional details can be found in publication PMID: 35346344, PMCID: PMC8962531

Labcorp Genetics (formerly Invitae), Labcorp
Classification: Likely benign for Tuberous sclerosis 2. Last evaluated: 2024-05-01. Review status: criteria provided, single submitter. Criteria: Invitae Variant Classification Sherloc (09022015). Collection method: clinical testing. Allele origin: germline.

Sema4
Classification: Likely benign for Hereditary cancer-predisposing syndrome. Last evaluated: 2022-02-07. Review status: criteria provided, single submitter. Criteria: Sema4 Curation Guidelines. Collection method: curation. Allele origin: germline.

NM_000548.5(TSC2):c.1005C>T (p.Ser335=)

Gene: TSC2 (TSC complex subunit 2; plus strand). Cytogenetic location: 16p13.3.
Variant type: single nucleotide variant.
Coding change: c.1005C>T on transcript NM_000548.5 (MANE Select); coding-DNA position 1005, C replaced by T.
Protein change: p.Ser335=; no amino-acid change (serine 335 retained).
Molecular consequence: synonymous variant.
Genome position (GRCh38, 1-based): chr16:2,060,699, C>T. VCF-style: chr16-2060699-C-T. GRCh37 (hg19) VCF-style: chr16-2110700-C-T.
Other names: c.1005C>T, p.Ser335= (NM_001077183.3, NM_001114382.3, NM_001363528.2 and 3 more transcripts); c.894C>T, p.Ser298= (NM_001318827.2); c.858C>T, p.Ser286= (NM_001318829.2); c.405C>T, p.Ser135= (NM_001318831.2); c.1038C>T, p.Ser346= (NM_001318832.2).
Identifiers: ClinVar variation 748557 (VCV000748557.14), dbSNP rs397514924, ClinGen allele CA492960656.